The following is an entry in ClinVar:

ClinVar aggregate classification (germline): Likely pathogenic (1 of 4 stars; one submission).

Conditions:
Snijders Blok-Campeau syndrome. Also called: INTELLECTUAL DEVELOPMENTAL DISORDER WITH MACROCEPHALY, SPEECH DELAY, AND DYSMORPHIC FACIES. Identifiers: Orphanet 599082, MedGen C4748701, MONDO:0032600, OMIM 618205.

Submission:

3billion
Classification: Likely pathogenic for Snijders Blok-Campeau syndrome. Last evaluated: 2023-11-10. Review status: criteria provided, single submitter. Criteria: ACMG Guidelines, 2015. Collection method: clinical testing. Allele origin: germline. Affected: yes.
Comment: The variant is not observed in the gnomAD v2.1.1 dataset. Predicted Consequence/Location: Canonical splice site: predicted to alter splicing and result in a loss or disruption of normal protein function. Multiple pathogenic loss-of-function variants are reported downstream of the variant. In silico tools predict the variant to alter splicing and produce an abnormal transcript [Splice AI: 0.96 (spliceogenicity >=0.2, non-spliceogenicity <0.1)]. Therefore, this variant is classified as Likely pathogenic according to the recommendation of ACMG/AMP guideline.

NM_001005273.3(CHD3):c.1707+2T>A

Gene: CHD3 (chromodomain helicase DNA binding protein 3; plus strand). Cytogenetic location: 17p13.1.
Variant type: single nucleotide variant.
Coding change: c.1707+2T>A on transcript NM_001005273.3 (MANE Select); the canonical splice donor site of the intron after coding-DNA position 1707, T replaced by A.
Molecular consequence: splice donor variant.
Genome position (GRCh38, 1-based): chr17:7,895,544, T>A. VCF-style: chr17-7895544-T-A. GRCh37 (hg19) VCF-style: chr17-7798862-T-A.
Other names: c.1884+2T>A (NM_001005271.3); c.1707+2T>A (NM_005852.4).
Identifiers: ClinVar variation 3776170 (VCV003776170.1).